The following is an entry in ClinVar:

NM_032043.3(BRIP1):c.1628+7G>A

Gene: BRIP1 (BRCA1 interacting DNA helicase 1; minus strand). Cytogenetic location: 17q23.2.
Variant type: single nucleotide variant.
Coding change: c.1628+7G>A on transcript NM_032043.3 (MANE Select); 7 bases into the intron after coding-DNA position 1628, G replaced by A.
Molecular consequence: intron variant.
Genome position (GRCh38, 1-based): chr17:61,784,263, C>T on the plus strand (G>A on the coding strand, the complement: BRIP1 is on the minus strand). VCF-style: chr17-61784263-C-T. GRCh37 (hg19) VCF-style: chr17-59861624-C-T.
Identifiers: ClinVar variation 925069 (VCV000925069.18), dbSNP rs2077666975, ClinGen allele CA1139665786.

ClinVar aggregate classification (germline): Likely benign. Review status: criteria provided, multiple submitters, no conflicts (2 of 4 stars). 5 submissions from 5 submitters: Likely benign (5). Last evaluated 2026-01-26.

Conditions:
Familial cancer of breast. Also called: BREAST CANCER, FAMILIAL; Hereditary breast cancer; hereditary breast carcinoma. Identifiers: Orphanet 227535, MedGen C0346153, MONDO:0016419, OMIM 114480. Disease mechanism: loss of function.
Fanconi anemia complementation group J. Also called: BRIP1-Related Fanconi Anemia. Identifiers: Orphanet 84, MedGen C1836860, MONDO:0012187, OMIM 609054.
Hereditary cancer-predisposing syndrome. Also called: Hereditary neoplastic syndrome; Neoplastic Syndromes, Hereditary; Hereditary Cancer Syndrome; Tumor predisposition. Identifiers: Orphanet 140162, MedGen C0027672, MeSH D009386, MONDO:0015356.

Allele frequency attached by ClinVar (database versions not stated): TOPMed 0.00001; gnomAD exomes below 0.00001.
gnomAD v4.1: 1 of 1,610,616 alleles (0.000062%); highest among the groups gnomAD compares: Admixed American, 0.0017%; no homozygotes.

Submissions (5):

Labcorp Genetics (formerly Invitae), Labcorp
Classification: Likely benign for Familial cancer of breast; Fanconi anemia complementation group J. Last evaluated: 2026-01-26. Review status: criteria provided, single submitter. Criteria: Invitae Variant Classification Sherloc (09022015). Collection method: clinical testing. Allele origin: germline.

Dasa
Classification: Likely benign. Last evaluated: 2026-01-17. Review status: criteria provided, single submitter. Criteria: DASA Assertion Criteria. Collection method: clinical testing. Allele origin: germline.
Comment: NM_032043.3(BRIP1):c.1628+7G>A is a splice-region variant. The variant context is inconsistent with a known disease-causing mechanism. Computational prediction algorithms are consistent with a benign effect. Therefore, based on the currently available evidence, this variant is classified as likely benign.

Women's Health and Genetics/Laboratory Corporation of America, LabCorp
Classification: Likely benign. Last evaluated: 2025-04-16. Review status: criteria provided, single submitter. Criteria: LabCorp Variant Classification Summary - May 2015. Collection method: clinical testing. Allele origin: germline.

Myriad Genetics, Inc.
Classification: Likely benign for Familial cancer of breast. Last evaluated: 2024-08-28. Review status: criteria provided, single submitter. Criteria: Myriad Autosomal Dominant, Autosomal Recessive and X-Linked Classification Criteria (2023). Collection method: clinical testing. Allele origin: unknown.
Comment: This variant is considered likely benign. This variant is intronic and is not expected to impact mRNA splicing.

Color Diagnostics, LLC DBA Color Health
Classification: Likely benign for Hereditary cancer-predisposing syndrome. Last evaluated: 2019-07-08. Review status: criteria provided, single submitter. Criteria: ACMG Guidelines, 2015. Collection method: clinical testing. Allele origin: germline.